The following is an entry in ClinVar:

NM_004667.6(HERC2):c.4954dup (p.Glu1652fs)

Gene: HERC2 (HECT and RLD domain containing E3 ubiquitin protein ligase 2; minus strand). Cytogenetic location: 15q13.1.
Variant type: Duplication.
Coding change: c.4954dup on transcript NM_004667.6 (MANE Select); coding-DNA position 4954, one base duplicated (G; older notation c.4954dupG).
Protein change: p.Glu1652fs; shifts the reading frame from glutamic acid 1652.
Molecular consequence: frameshift variant.
Genome position (GRCh38, 1-based): chr15:28,229,703, C duplicated on the plus strand (G on the coding strand, the reverse complement: HERC2 is on the minus strand); the first of 2 consecutive C bases (chr15:28,229,703-28,229,704); duplicating either gives the same sequence. VCF-style (leftmost placement, unchanged base first): chr15-28229702-T-TC. GRCh37 (hg19) VCF-style: chr15-28474848-T-TC.
Other names: short protein forms E1652fs.
Identifiers: ClinVar variation 4886495 (VCV004886495.2).

ClinVar aggregate classification (germline): Likely pathogenic (1 of 4 stars; one submission).

Submission:

Dasa
Classification: Likely pathogenic. Last evaluated: 2025-12-17. Review status: criteria provided, single submitter. Criteria: DASA Assertion Criteria. Collection method: clinical testing. Allele origin: germline.
Comment: NM_004667.6(HERC2):c.4954dup (p.Glu1652Glyfs*51) is a frameshift variant in HERC2 predicted to alter the reading frame and introduce a premature termination codon and is predicted to result in an absent or altered protein product. Loss of function is an established disease mechanism for HERC2-associated disorders. Also, this variant is rare in population databases. Based on the currently available evidence, this variant is classified as likely pathogenic.